The following is an entry in ClinVar:

NM_001165963.4(SCN1A):c.2889T>C (p.Ala963=)

Gene: SCN1A (sodium voltage-gated channel alpha subunit 1; minus strand). Cytogenetic location: 2q24.3.
Variant type: single nucleotide variant.
Coding change: c.2889T>C on transcript NM_001165963.4 (MANE Select); coding-DNA position 2889, T replaced by C.
Protein change: p.Ala963=; no amino-acid change (alanine 963 retained).
Molecular consequence: synonymous variant. On other transcripts: non-coding transcript variant (1).
Genome position (GRCh38, 1-based): chr2:166,037,833, A>G on the plus strand (T>C on the coding strand, the complement: SCN1A is on the minus strand). VCF-style: chr2-166037833-A-G. GRCh37 (hg19) VCF-style: chr2-166894343-A-G.
Other names: p.Ala963=; c.2805T>C, p.Ala935= (NM_001165964.3, NM_001353957.2, NM_001353958.2); c.2889T>C, p.Ala963= (NM_001202435.3, NM_001353948.2); c.2856T>C, p.Ala952= (NM_001353949.2, NM_001353950.2, NM_001353951.2 and 2 more transcripts); c.2853T>C, p.Ala951= (NM_001353954.2, NM_001353955.2); c.2802T>C, p.Ala934= (NM_001353960.2); c.447T>C, p.Ala149= (NM_001353961.2); c.2889T>C (NM_001202435.1, NM_001165963.3).
Identifiers: ClinVar variation 93642 (VCV000093642.68), dbSNP rs144679294, ClinGen allele CA147180.

ClinVar aggregate classification (germline): Benign/Likely benign. Review status: criteria provided, multiple submitters, no conflicts (2 of 4 stars). 17 submissions from 16 submitters: Benign (7); Likely benign (6). 4 of the submissions do not count toward it. Last evaluated 2026-09-01.

Conditions:
Early-infantile DEE. Also called: Ohtahara syndrome; Early infantile epileptic encephalopathy with suppression bursts; Early infantile epileptic encephalopathy. Identifiers: Orphanet 1934, MedGen C0393706, MONDO:0800491.
SCN1A-related disorder. Also called: SCN1A-related conditions; SCN1A-related condition; SCN1A-related disorders.
Inborn genetic diseases. Identifiers: MedGen C0950123, MeSH D030342.
Generalized epilepsy with febrile seizures plus, type 2 (GEFSP2). Also called: GEFS+, TYPE 2. Identifiers: Orphanet 36387, MedGen C1858673, MONDO:0011461, OMIM 604403.
Migraine, familial hemiplegic, 3. Identifiers: Orphanet 569, MedGen C1864987, MONDO:0012320, OMIM 609634.

Allele frequency attached by ClinVar (database versions not stated): 1000 Genomes Project 30x 0.00156; 1000 Genomes Project 0.00160; gnomAD exomes 0.00306 and 0.00416; gnomAD 0.00321 and 0.00330; ExAC 0.00328; TOPMed 0.00329; ESP Exome Variant Server 0.00369.
gnomAD v4.1: 6,565 of 1,614,186 alleles (0.41%); highest among the groups gnomAD compares: Middle Eastern, 0.79%; 27 homozygotes.

Submissions (17):

CeGaT Center for Human Genetics Tuebingen
Classification: Benign. Last evaluated: 2026-09-01. Review status: criteria provided, single submitter. Criteria: CeGaT Center For Human Genetics Tuebingen Variant Classification Criteria Version 2. Collection method: clinical testing. Allele origin: germline. Affected: yes. Observed: 70 variant alleles.
Comment: SCN1A: BP4, BP7, BS1, BS2

Labcorp Genetics (formerly Invitae), Labcorp
Classification: Benign for Early-infantile DEE. Last evaluated: 2026-02-03. Review status: criteria provided, single submitter. Criteria: Invitae Variant Classification Sherloc (09022015). Collection method: clinical testing. Allele origin: germline.

Blueprint Genetics
Classification: Likely benign. Last evaluated: 2024-11-25. Review status: criteria provided, single submitter. Criteria: ACMG Guidelines, 2015. Collection method: clinical testing. Allele origin: germline.

Athena Diagnostics
Classification: Benign. Last evaluated: 2024-06-14. Review status: criteria provided, single submitter. Criteria: Athena Diagnostics Criteria. Collection method: clinical testing. Allele origin: unknown.

ARUP Laboratories, Molecular Genetics and Genomics, ARUP Laboratories
Classification: Benign. Last evaluated: 2024-04-26. Review status: criteria provided, single submitter. Criteria: ARUP Molecular Germline Variant Investigation Process 2024. Collection method: clinical testing. Allele origin: germline.

Mayo Clinic Laboratories, Mayo Clinic
Classification: Benign. Last evaluated: 2018-08-07. Review status: criteria provided, single submitter. Criteria: ACMG Guidelines, 2015. Collection method: clinical testing. Allele origin: germline. Observed: 10 variant alleles.

Illumina Laboratory Services, Illumina
Classification: Likely benign for Migraine, familial hemiplegic, 3. Last evaluated: 2017-04-27. Review status: criteria provided, single submitter. Criteria: ICSL Variant Classification Criteria 13 December 2019. Collection method: clinical testing. Allele origin: germline.
Comment: This variant was observed as part of a predisposition screen in an ostensibly healthy population. A literature search was performed for the gene, cDNA change, and amino acid change (where applicable). No publications were found based on this search. Allele frequency data from public databases allowed determination this variant is unlikely to cause disease. Therefore, this variant is classified as likely benign.

Illumina Laboratory Services, Illumina
Classification: Likely benign for Generalized epilepsy with febrile seizures plus, type 2. Last evaluated: 2017-04-27. Review status: criteria provided, single submitter. Criteria: ICSL Variant Classification Criteria 13 December 2019. Collection method: clinical testing. Allele origin: germline.
Comment: the same text as in the submission from Illumina Laboratory Services, Illumina above.

Ambry Genetics
Classification: Likely benign for Inborn genetic diseases. Last evaluated: 2016-05-03. Review status: criteria provided, single submitter. Criteria: Ambry Variant Classification Scheme 2023. Collection method: clinical testing. Allele origin: germline.

GeneDx
Classification: Benign. Last evaluated: 2015-03-03. Review status: criteria provided, single submitter. Criteria: GeneDx Variant Classification Process June 2021. Collection method: clinical testing. Allele origin: germline. Affected: yes.

Genetic Services Laboratory, University of Chicago
Classification: Likely benign. Last evaluated: 2015-02-10. Review status: criteria provided, single submitter. Criteria: ACMG Guidelines, 2015. Collection method: clinical testing. Allele origin: germline.

Eurofins Ntd Llc (ga)
Classification: Benign. Last evaluated: 2012-08-09. Review status: criteria provided, single submitter. Criteria: EGL Classification Definitions 2015. Collection method: clinical testing. Allele origin: germline. Observed: 2 variant alleles, 2 heterozygotes.

Breakthrough Genomics
Classification: Likely benign. Review status: criteria provided, single submitter. Criteria: ACMG Guidelines, 2015. Collection method: not provided. Allele origin: germline. Inheritance: Autosomal dominant inheritance. Affected: yes.

PreventionGenetics, part of Exact Sciences
Classification: Benign for SCN1A-related condition. Last evaluated: 2019-09-09. Review status: no assertion criteria provided. Collection method: clinical testing. Allele origin: germline. Not counted in ClinVar's aggregate classification.
Comment: This variant is classified as benign based on ACMG/AMP sequence variant interpretation guidelines (Richards et al. 2015 PMID: 25741868, with internal and published modifications).

Genome Diagnostics Laboratory, University Medical Center Utrecht
Classification: Likely benign. Review status: no assertion criteria provided. Collection method: clinical testing. Allele origin: germline. Affected: yes. Study: VKGL Data-share Consensus. Not counted in ClinVar's aggregate classification.

Joint Genome Diagnostic Labs from Nijmegen and Maastricht, Radboudumc and MUMC+
Classification: Likely benign. Review status: no assertion criteria provided. Collection method: clinical testing. Allele origin: germline. Affected: yes. Study: VKGL Data-share Consensus. Not counted in ClinVar's aggregate classification.

Laboratory of Diagnostic Genome Analysis, Leiden University Medical Center (LUMC)
Classification: Likely benign. Review status: no assertion criteria provided. Collection method: clinical testing. Allele origin: germline. Affected: yes. Study: VKGL Data-share Consensus. Not counted in ClinVar's aggregate classification.

Literature cited by the submitters: PubMed 18930999 (cited by Athena Diagnostics); PubMed 17020904 (cited by Athena Diagnostics); PubMed 11254444 (cited by Athena Diagnostics and Ambry Genetics); PubMed 12610651 (cited by Athena Diagnostics and Ambry Genetics); PubMed 31755124 (cited by Athena Diagnostics); PubMed 32347949 (cited by Athena Diagnostics); PubMed 27843123 (cited by Athena Diagnostics); PubMed 14504318 (cited by Athena Diagnostics and Ambry Genetics).